The following is an entry in ClinVar:

NM_001165963.4(SCN1A):c.2522C>T (p.Thr841Met)

Gene: SCN1A (sodium voltage-gated channel alpha subunit 1; minus strand). Cytogenetic location: 2q24.3.
Variant type: single nucleotide variant.
Coding change: c.2522C>T on transcript NM_001165963.4 (MANE Select); coding-DNA position 2522, C replaced by T.
Protein change: p.Thr841Met; replaces threonine 841 with methionine.
Molecular consequence: missense variant. On other transcripts: non-coding transcript variant (1).
Genome position (GRCh38, 1-based): chr2:166,039,490, G>A on the plus strand (C>T on the coding strand, the complement: SCN1A is on the minus strand). VCF-style: chr2-166039490-G-A. GRCh37 (hg19) VCF-style: chr2-166896000-G-A.
Other names: c.2438C>T, p.Thr813Met (NM_001165964.3, NM_001353957.2, NM_001353958.2); c.2522C>T, p.Thr841Met (NM_001202435.3, NM_001353948.2); c.2489C>T, p.Thr830Met (NM_001353949.2, NM_001353950.2, NM_001353951.2 and 2 more transcripts); c.2486C>T, p.Thr829Met (NM_001353954.2, NM_001353955.2); c.2435C>T, p.Thr812Met (NM_001353960.2); c.80C>T, p.Thr27Met (NM_001353961.2); short protein forms T27M, T830M, T812M, T841M, T829M, T813M.
Identifiers: ClinVar variation 851254 (VCV000851254.13), dbSNP rs750901301, ClinGen allele CA1943098.
Genomic context (GRCh38, chr2:166,039,490, plus strand): 5'-AATGAACGGAGAACAGATAATCCTTCCACATTGGCGAGTCCAAGTTCTACCAGGCTAAGC[G>A]TCACAATAAAACCGTCAAAGATATTCCAGCCTTCTTGGAAATAATAGTAAGGATCCATGG-3'
Protein context (NP_001159435.1, residues 831-851): GWNIFDGFIV[Thr841Met]LSLVELGLAN

ClinVar aggregate classification (germline): Conflicting classifications of pathogenicity. Review status: criteria provided, conflicting classifications (1 of 4 stars). 3 submissions from 3 submitters: Likely pathogenic (1); Uncertain significance (1); Likely benign (1). Last evaluated 2025-08-04.

Conditions:
Early-infantile DEE. Also called: Early infantile epileptic encephalopathy; Ohtahara syndrome; Early infantile epileptic encephalopathy with suppression bursts. Identifiers: Orphanet 1934, MedGen C0393706, MONDO:0800491.
Inborn genetic diseases. Identifiers: MedGen C0950123, MeSH D030342.
Severe myoclonic epilepsy in infancy (DRVT). Also called: SEVERE MYOCLONIC EPILEPSY OF INFANCY; DEVELOPMENTAL AND EPILEPTIC ENCEPHALOPATHY 6A; Severe Myoclonic Epilepsy in Infancy (SMEI); Dravet syndrome; Epileptic encephalopathy, early infantile, 6 (Dravet syndrome). Identifiers: Orphanet 33069, MedGen C0751122, MONDO:0100135, OMIM 607208.

Allele frequency attached by ClinVar (database versions not stated): gnomAD 0.00001; ExAC 0.00002; gnomAD exomes 0.00002 and 0.00003; TOPMed 0.00004.
gnomAD v4.1: 36 of 1,612,766 alleles (0.0022%); highest among the groups gnomAD compares: Middle Eastern, 0.016%; no homozygotes.

Submissions (3):

Labcorp Genetics (formerly Invitae), Labcorp
Classification: Uncertain significance for Early-infantile DEE. Last evaluated: 2025-08-04. Review status: criteria provided, single submitter. Criteria: Invitae Variant Classification Sherloc (09022015). Collection method: clinical testing. Allele origin: germline.
Comment: This sequence change replaces threonine, which is neutral and polar, with methionine, which is neutral and non-polar, at codon 841 of the SCN1A protein (p.Thr841Met). This variant is present in population databases (rs750901301, gnomAD 0.01%). This variant has not been reported in the literature in individuals affected with SCN1A-related conditions. ClinVar contains an entry for this variant (Variation ID: 851254). Invitae Evidence Modeling of protein sequence and biophysical properties (such as structural, functional, and spatial information, amino acid conservation, physicochemical variation, residue mobility, and thermodynamic stability) has been performed for this missense variant. However, the output from this modeling did not meet the statistical confidence thresholds required to predict the impact of this variant on SCN1A protein function. In summary, the available evidence is currently insufficient to determine the role of this variant in disease. Therefore, it has been classified as a Variant of Uncertain Significance.

Laboratory of Medical Genetics, National & Kapodistrian University of Athens
Classification: Likely pathogenic for Severe myoclonic epilepsy in infancy. Last evaluated: 2021-08-10. Review status: criteria provided, single submitter. Criteria: ACMG Guidelines, 2015. Collection method: clinical testing. Allele origin: paternal. Affected: yes.
Comment: PM1, PM5, PP2, PP3

Ambry Genetics
Classification: Likely benign for Inborn genetic diseases. Last evaluated: 2021-08-02. Review status: criteria provided, single submitter. Criteria: Ambry Variant Classification Scheme 2023. Collection method: clinical testing. Allele origin: germline.